The following is an entry in ClinVar:

ClinVar aggregate classification (germline): Uncertain significance. Review status: criteria provided, multiple submitters, no conflicts (2 of 4 stars). 5 submissions from 5 submitters: Uncertain significance (5). Last evaluated 2026-06-22.

Conditions:
Short stature. Identifiers: MedGen C0349588, HP:0004322.

Allele frequency attached by ClinVar (database versions not stated): gnomAD exomes below 0.00001.
gnomAD v4.1: 2 of 1,610,574 alleles (0.00012%); highest among the groups gnomAD compares: Middle Eastern, 0.039%; no homozygotes.

Submissions (5):

Women's Health and Genetics/Laboratory Corporation of America, LabCorp
Classification: Uncertain significance. Last evaluated: 2026-06-22. Review status: criteria provided, single submitter. Criteria: LabCorp Variant Classification Summary - May 2015. Collection method: clinical testing. Allele origin: germline.
Comment: Variant summary: COL11A1 c.1889A>T (p.Asp630Val) results in a non-conservative amino acid change in the encoded protein sequence. Algorithms developed to predict the effect of missense changes on protein structure and function all suggest that this variant is likely to be disruptive. The variant was absent in 250036 control chromosomes. The available data on variant occurrences in the general population are insufficient to allow any conclusion about variant significance. To our knowledge, no occurrence of c.1889A>T in individuals affected with COL11A1-related conditions and no experimental evidence demonstrating its impact on protein function have been reported. ClinVar contains an entry for this variant (Variation ID: 1991106). Based on the evidence outlined above, the variant was classified as uncertain significance.

GeneDx
Classification: Uncertain significance. Last evaluated: 2025-03-11. Review status: criteria provided, single submitter. Criteria: GeneDx Variant Classification Process June 2021. Collection method: clinical testing. Allele origin: germline. Affected: yes.
Comment: Not observed at significant frequency in large population cohorts (gnomAD); In silico analysis supports that this missense variant has a deleterious effect on protein structure/function; Has not been previously published as pathogenic or benign to our knowledge

MVZ Dr. Eberhard & Partner Dortmund
Classification: Uncertain significance for Short stature. Last evaluated: 2022-12-05. Review status: criteria provided, single submitter. Criteria: ACMG Guidelines, 2015. Collection method: clinical testing. Allele origin: unknown. Observed: 1 heterozygote.
Comment: This variant was absent from control databases such as GnomAD. Multiple lines of computational evidence support a deleterious effect on the gene or gene product.

Labcorp Genetics (formerly Invitae), Labcorp
Classification: Uncertain significance. Last evaluated: 2022-07-01. Review status: criteria provided, single submitter. Criteria: Invitae Variant Classification Sherloc (09022015). Collection method: clinical testing. Allele origin: germline.
Comment: In summary, the available evidence is currently insufficient to determine the role of this variant in disease. Therefore, it has been classified as a Variant of Uncertain Significance. Advanced modeling of protein sequence and biophysical properties (such as structural, functional, and spatial information, amino acid conservation, physicochemical variation, residue mobility, and thermodynamic stability) performed at Invitae indicates that this missense variant is not expected to disrupt COL11A1 protein function. This variant has not been reported in the literature in individuals affected with COL11A1-related conditions. This variant is not present in population databases (gnomAD no frequency). This sequence change replaces aspartic acid, which is acidic and polar, with valine, which is neutral and non-polar, at codon 630 of the COL11A1 protein (p.Asp630Val).

Blueprint Genetics
Classification: Uncertain significance. Last evaluated: 2020-05-28. Review status: criteria provided, single submitter. Criteria: ACMG Guidelines, 2015. Collection method: clinical testing. Allele origin: germline.

NM_001854.4(COL11A1):c.1889A>T (p.Asp630Val)

Gene: COL11A1 (collagen type XI alpha 1 chain; minus strand). Cytogenetic location: 1p21.1.
Variant type: single nucleotide variant.
Coding change: c.1889A>T on transcript NM_001854.4 (MANE Select); coding-DNA position 1889, A replaced by T.
Protein change: p.Asp630Val; replaces aspartic acid 630 with valine.
Molecular consequence: missense variant. On other transcripts: non-coding transcript variant (1).
Genome position (GRCh38, 1-based): chr1:103,004,618, T>A on the plus strand (A>T on the coding strand, the complement: COL11A1 is on the minus strand). VCF-style: chr1-103004618-T-A. GRCh37 (hg19) VCF-style: chr1-103470174-T-A.
Other names: c.1889A>T (NM_001854.3); c.1541A>T, p.Asp514Val (NM_001168249.1, NM_080630.4); c.1772A>T, p.Asp591Val (NM_001190709.2); c.1925A>T, p.Asp642Val (NM_080629.3); short protein forms D514V, D591V, D630V, D642V.
Identifiers: ClinVar variation 1991106 (VCV001991106.9), dbSNP rs2525388875, ClinGen allele CA341172853.